The following is an entry in ClinVar:

NM_001134831.2(AHI1):c.538A>G (p.Thr180Ala)

Gene: AHI1 (Abelson helper integration site 1; minus strand). Cytogenetic location: 6q23.3.
Variant type: single nucleotide variant.
Coding change: c.538A>G on transcript NM_001134831.2 (MANE Select); coding-DNA position 538, A replaced by G.
Protein change: p.Thr180Ala; replaces threonine 180 with alanine.
Molecular consequence: missense variant.
Genome position (GRCh38, 1-based): chr6:135,466,025, T>C on the plus strand (A>G on the coding strand, the complement: AHI1 is on the minus strand). VCF-style: chr6-135466025-T-C. GRCh37 (hg19) VCF-style: chr6-135787163-T-C.
Other names: c.538A>G, p.Thr180Ala (NM_001134830.2, NM_001134832.2, NM_001350503.2 and 2 more transcripts); short protein forms T180A.
Identifiers: ClinVar variation 1718532 (VCV001718532.6), dbSNP rs1790689983, ClinGen allele CA365751438.

ClinVar aggregate classification (germline): Uncertain significance (1 of 4 stars; one submission).

Conditions:
Joubert syndrome. Also called: CEREBELLOPARENCHYMAL DISORDER IV; JOUBERT-BOLTSHAUSER SYNDROME; Familial aplasia of the vermis. Identifiers: Orphanet 475, MedGen C5979921, MONDO:0018772.

Allele frequency attached by ClinVar (database versions not stated): TOPMed below 0.00001.

Submission:

Labcorp Genetics (formerly Invitae), Labcorp
Classification: Uncertain significance for Joubert syndrome. Last evaluated: 2022-07-19. Review status: criteria provided, single submitter. Criteria: Invitae Variant Classification Sherloc (09022015). Collection method: clinical testing. Allele origin: germline.
Comment: In summary, the available evidence is currently insufficient to determine the role of this variant in disease. Therefore, it has been classified as a Variant of Uncertain Significance. Advanced modeling of protein sequence and biophysical properties (such as structural, functional, and spatial information, amino acid conservation, physicochemical variation, residue mobility, and thermodynamic stability) performed at Invitae indicates that this missense variant is not expected to disrupt AHI1 protein function. This variant has not been reported in the literature in individuals affected with AHI1-related conditions. This variant is not present in population databases (gnomAD no frequency). This sequence change replaces threonine, which is neutral and polar, with alanine, which is neutral and non-polar, at codon 180 of the AHI1 protein (p.Thr180Ala).